The following is an entry in ClinVar:

ClinVar aggregate classification (germline): Uncertain significance (1 of 4 stars; one submission).

Conditions:
Dyskeratosis congenita. Identifiers: Orphanet 1775, MedGen C0265965, MONDO:0015780.

Allele frequency attached by ClinVar (database versions not stated): TOPMed 0.00001; gnomAD 0.00002.

Submission:

Labcorp Genetics (formerly Invitae), Labcorp
Classification: Uncertain significance for Dyskeratosis congenita. Last evaluated: 2025-11-27. Review status: criteria provided, single submitter. Criteria: Invitae Variant Classification Sherloc (09022015). Collection method: clinical testing. Allele origin: germline.
Comment: This sequence change replaces proline, which is neutral and non-polar, with arginine, which is basic and polar, at codon 379 of the TINF2 protein (p.Pro379Arg). This variant is present in population databases (no rsID available, gnomAD 0.1%). This variant has not been reported in the literature in individuals affected with TINF2-related conditions. ClinVar contains an entry for this variant (Variation ID: 2904843). An algorithm developed to predict the effect of missense changes on protein structure and function (PolyPhen-2) suggests that this variant is likely to be tolerated. In summary, the available evidence is currently insufficient to determine the role of this variant in disease. Therefore, it has been classified as a Variant of Uncertain Significance.

NM_001099274.3(TINF2):c.1136C>G (p.Pro379Arg)

Gene: TINF2 (TERF1 interacting nuclear factor 2; minus strand). Cytogenetic location: 14q12.
Variant type: single nucleotide variant.
Coding change: c.1136C>G on transcript NM_001099274.3 (MANE Select); coding-DNA position 1136, C replaced by G.
Protein change: p.Pro379Arg; replaces proline 379 with arginine.
Molecular consequence: missense variant. On other transcripts: 3 prime UTR variant (1).
Genome position (GRCh38, 1-based): chr14:24,240,149, G>C on the plus strand (C>G on the coding strand, the complement: TINF2 is on the minus strand). VCF-style: chr14-24240149-G-C. GRCh37 (hg19) VCF-style: chr14-24709355-G-C.
Other names: c.1031C>G, p.Pro344Arg (NM_001363668.2); c.*266C>G (NM_012461.3); short protein forms P344R, P379R.
Identifiers: ClinVar variation 2904843 (VCV002904843.3), dbSNP rs1398882060, ClinGen allele CA389222125.